The following is an entry in ClinVar:

ClinVar aggregate classification (germline): Uncertain significance. Review status: criteria provided, multiple submitters, no conflicts (2 of 4 stars). 3 submissions from 3 submitters: Uncertain significance (2). 1 of the submissions does not count toward it. Last evaluated 2024-09-01.

Conditions:
NF1-related disorder. Also called: NF1-related condition. Identifiers: MedGen CN379171.
Neurofibromatosis, type 1 (NF1). Also called: NEUROFIBROMATOSIS, TYPE I, SOMATIC; VON RECKLINGHAUSEN DISEASE; Peripheral type neurofibromatosis; Neurofibromatosis, type I. Identifiers: Orphanet 636, MedGen C0027831, MONDO:0018975, OMIM 162200. Disease mechanism: loss of function.

Submissions (3):

CeGaT Center for Human Genetics Tuebingen
Classification: Uncertain significance. Last evaluated: 2024-09-01. Review status: criteria provided, single submitter. Criteria: CeGaT Center For Human Genetics Tuebingen Variant Classification Criteria Version 2. Collection method: clinical testing. Allele origin: germline. Affected: yes. Observed: 1 variant allele.
Comment: NF1: PM2, PP3, PP4

Labcorp Genetics (formerly Invitae), Labcorp
Classification: Uncertain significance for Neurofibromatosis, type 1. Last evaluated: 2021-05-27. Review status: criteria provided, single submitter. Criteria: Invitae Variant Classification Sherloc (09022015). Collection method: clinical testing. Allele origin: germline.
Comment: In summary, the available evidence is currently insufficient to determine the role of this variant in disease. Therefore, it has been classified as a Variant of Uncertain Significance. Nucleotide substitutions within the consensus splice site are a relatively common cause of aberrant splicing (PMID: 17576681, 9536098). Algorithms developed to predict the effect of sequence changes on RNA splicing suggest that this variant may disrupt the consensus splice site, but this prediction has not been confirmed by published transcriptional studies. This variant has not been reported in the literature in individuals with NF1-related conditions. This variant is not present in population databases (ExAC no frequency). This sequence change falls in intron 27 of the NF1 gene. It does not directly change the encoded amino acid sequence of the NF1 protein. It affects a nucleotide within the consensus splice site of the intron.

PreventionGenetics, part of Exact Sciences
Classification: Uncertain significance for NF1-related condition. Last evaluated: 2023-10-23. Review status: no assertion criteria provided. Collection method: clinical testing. Allele origin: germline. Not counted in ClinVar's aggregate classification.
Comment: The NF1 c.3708+3_3708+6delAAGT variant is predicted to result in an intronic deletion. To our knowledge, this variant has not been reported in the literature or in a large population database, indicating this variant is rare. However, other intronic variants predicted to affect splicing at the same donor site have been reported in patients with features consistent with neurofibromatosis type 1 (c.3708+3A>T, c.3708+5G>A, Assunto et al. 2019. PubMed ID: 31730495, Koster et al. 2021. PubMed ID: 34782607). Although we suspect that this variant may be pathogenic, at this time, the clinical significance of this variant is uncertain due to the absence of conclusive functional and genetic evidence.

Literature cited by the submitters: PubMed 17576681 (cited by Labcorp Genetics (formerly Invitae), Labcorp); PubMed 9536098 (cited by Labcorp Genetics (formerly Invitae), Labcorp).

NM_001042492.3(NF1):c.3708+3_3708+6del

Gene: NF1 (neurofibromin 1; plus strand). Cytogenetic location: 17q11.2.
Variant type: Deletion.
Coding change: c.3708+3_3708+6del on transcript NM_001042492.3 (MANE Select); bases 3 to 6 of the intron after coding-DNA position 3708, 4 bases deleted (AAGT; older notation c.3708+3_3708+6delAAGT).
Molecular consequence: splice donor variant.
Genome position (GRCh38, 1-based): chr17:31,233,216-31,233,219, AAGT deleted; deleting any 4 consecutive bases within chr17:31,233,214-31,233,219 gives the same sequence; the c. name uses the placement nearest the transcript's 3' end. VCF-style (leftmost placement, unchanged base first): chr17-31233213-GGTAA-G. GRCh37 (hg19) VCF-style: chr17-29560231-GGTAA-G.
Other names: c.3708+3_3708+6del (NM_000267.4).
Identifiers: ClinVar variation 1384424 (VCV001384424.22), dbSNP rs2151435840, ClinGen allele CA2573153366.